The following is an entry in ClinVar:

NM_024577.4(SH3TC2):c.929G>A (p.Gly310Glu)

Gene: SH3TC2 (SH3 domain and tetratricopeptide repeats 2; minus strand). Cytogenetic location: 5q32.
Variant type: single nucleotide variant.
Coding change: c.929G>A on transcript NM_024577.4 (MANE Select); coding-DNA position 929, G replaced by A.
Protein change: p.Gly310Glu; replaces glycine 310 with glutamic acid.
Molecular consequence: missense variant.
Genome position (GRCh38, 1-based): chr5:149,038,367, C>T on the plus strand (G>A on the coding strand, the complement: SH3TC2 is on the minus strand). VCF-style: chr5-149038367-C-T. GRCh37 (hg19) VCF-style: chr5-148417930-C-T.
Other names: short protein forms G310E.
Identifiers: ClinVar variation 576051 (VCV000576051.10), dbSNP rs763949764, ClinGen allele CA3499347.

ClinVar aggregate classification (germline): Pathogenic/Likely pathogenic. Review status: criteria provided, multiple submitters, no conflicts (2 of 4 stars). 2 submissions from 2 submitters: Pathogenic (1); Likely pathogenic (1). Last evaluated 2025-03-05.

Conditions:
Charcot-Marie-Tooth disease type 4. Also called: Charcot-Marie-Tooth disease, type IV; Charcot-Marie-Tooth, Type 4. Identifiers: Orphanet 64749, MedGen C4082197, MONDO:0018995.
Charcot-Marie-Tooth disease type 4C (CMT4C). Also called: SH3TC2-Related Hereditary Motor and Sensory Neuropathy; CHARCOT-MARIE-TOOTH DISEASE, DEMYELINATING, AUTOSOMAL RECESSIVE, TYPE 4C; CMT 4C; Charcot-Marie-Tooth Neuropathy Type 4C (CMT4C); CHARCOT-MARIE-TOOTH DISEASE, DEMYELINATING, TYPE 4C. Identifiers: Orphanet 99949, MedGen C1866636, MONDO:0011113, OMIM 601596.
Susceptibility to mononeuropathy of the median nerve, mild. Also called: CARPAL TUNNEL SYNDROME, SUSCEPTIBILITY TO. Identifiers: MedGen C3150596, MONDO:0013237, OMIM 613353.

Allele frequency attached by ClinVar (database versions not stated): TOPMed below 0.00001; gnomAD exomes 0.00001; ExAC 0.00002; gnomAD 0.00003.
gnomAD v4.1: 10 of 1,614,094 alleles (0.00062%); highest among the groups gnomAD compares: Admixed American, 0.0067%; no homozygotes.

Submissions (2):

Labcorp Genetics (formerly Invitae), Labcorp
Classification: Pathogenic for Charcot-Marie-Tooth disease type 4. Last evaluated: 2025-03-05. Review status: criteria provided, single submitter. Criteria: Invitae Variant Classification Sherloc (09022015). Collection method: clinical testing. Allele origin: germline.
Comment: This sequence change replaces glycine, which is neutral and non-polar, with glutamic acid, which is acidic and polar, at codon 310 of the SH3TC2 protein (p.Gly310Glu). This variant is present in population databases (rs763949764, gnomAD 0.006%). This missense change has been observed in individual(s) with Charcot-Marie-Tooth disease (PMID: 27025386, 31227790; internal data). In at least one individual the data is consistent with being in trans (on the opposite chromosome) from a pathogenic variant. ClinVar contains an entry for this variant (Variation ID: 576051). Invitae Evidence Modeling of protein sequence and biophysical properties (such as structural, functional, and spatial information, amino acid conservation, physicochemical variation, residue mobility, and thermodynamic stability) indicates that this missense variant is expected to disrupt SH3TC2 protein function with a positive predictive value of 95%. For these reasons, this variant has been classified as Pathogenic.

Fulgent Genetics
Classification: Likely pathogenic for Charcot-Marie-Tooth disease type 4C; Susceptibility to mononeuropathy of the median nerve, mild. Last evaluated: 2024-02-16. Review status: criteria provided, single submitter. Criteria: ACMG Guidelines, 2015. Collection method: clinical testing. Allele origin: germline.

Literature cited by the submitters: PubMed 27025386 (cited by Labcorp Genetics (formerly Invitae), Labcorp); PubMed 31227790 (cited by Labcorp Genetics (formerly Invitae), Labcorp).